The following is an entry in ClinVar:

NM_000492.4(CFTR):c.498G>C (p.Lys166Asn)

Gene: CFTR (CF transmembrane conductance regulator; plus strand). Cytogenetic location: 7q31.2.
Variant type: single nucleotide variant.
Coding change: c.498G>C on transcript NM_000492.4 (MANE Select); coding-DNA position 498, G replaced by C.
Protein change: p.Lys166Asn; replaces lysine 166 with asparagine.
Molecular consequence: missense variant.
Genome position (GRCh38, 1-based): chr7:117,534,284, G>C. VCF-style: chr7-117534284-G-C. GRCh37 (hg19) VCF-style: chr7-117174338-G-C.
Other names: short protein forms K166N.
Identifiers: ClinVar variation 1498873 (VCV001498873.6), dbSNP rs2116674891, ClinGen allele CA368976339.

ClinVar aggregate classification (germline): Uncertain significance. Review status: criteria provided, multiple submitters, no conflicts (2 of 4 stars). 3 submissions from 3 submitters: Uncertain significance (3). Last evaluated 2022-09-01.

Conditions:
Cystic fibrosis (CF). Also called: MUCOVISCIDOSIS. Identifiers: Orphanet 586, MedGen C0010674, MONDO:0009061, OMIM 219700. Disease mechanism: loss of function.

Submissions (3):

Labcorp Genetics (formerly Invitae), Labcorp
Classification: Uncertain significance for Cystic fibrosis. Last evaluated: 2022-09-01. Review status: criteria provided, single submitter. Criteria: Invitae Variant Classification Sherloc (09022015). Collection method: clinical testing. Allele origin: germline.
Comment: This sequence change replaces lysine, which is basic and polar, with asparagine, which is neutral and polar, at codon 166 of the CFTR protein (p.Lys166Asn). This variant is not present in population databases (gnomAD no frequency). This variant has not been reported in the literature in individuals affected with CFTR-related conditions. ClinVar contains an entry for this variant (Variation ID: 1498873). Algorithms developed to predict the effect of missense changes on protein structure and function (SIFT, PolyPhen-2, Align-GVGD) all suggest that this variant is likely to be tolerated. In summary, the available evidence is currently insufficient to determine the role of this variant in disease. Therefore, it has been classified as a Variant of Uncertain Significance.

Johns Hopkins Genomics, Johns Hopkins University
Classification: Uncertain significance for Cystic fibrosis. Last evaluated: 2022-06-15. Review status: criteria provided, single submitter. Criteria: ACMG Guidelines, 2015. Collection method: clinical testing. Allele origin: germline.
Comment: CFTR c.498G>C is absent from a large population dataset and has not been reported in the literature in individuals with cystic fibrosis to our knowledge. This variant has been reported in ClinVar (Variation ID: 1498873). Of three bioinformatics tools queried, two predict that the substitution would be damaging while one predicts that it would be tolerated. The lysine residue is evolutionarily conserved across all species assessed except prairie vole. We consider the clinical significance of CFTR c.498G>C to be uncertain at this time

Ambry Genetics
Classification: Uncertain significance for Cystic fibrosis. Last evaluated: 2021-12-31. Review status: criteria provided, single submitter. Criteria: Ambry Variant Classification Scheme 2023. Collection method: clinical testing. Allele origin: germline.
Comment: The p.K166N variant (also known as c.498G>C), located in coding exon 5 of the CFTR gene, results from a G to C substitution at nucleotide position 498. The lysine at codon 166 is replaced by asparagine, an amino acid with similar properties. This amino acid position is conserved. In addition, the in silico prediction for this alteration is inconclusive. Since supporting evidence is limited at this time, the clinical significance of this alteration remains unclear.